The following is an entry in ClinVar:

NM_001127898.4(CLCN5):c.316-2A>T

Gene: CLCN5 (chloride voltage-gated channel 5; plus strand). Cytogenetic location: Xp11.23.
Variant type: single nucleotide variant.
Coding change: c.316-2A>T on transcript NM_001127898.4 (MANE Select); the canonical splice acceptor site of the intron before coding-DNA position 316, A replaced by T.
Molecular consequence: splice acceptor variant.
Genome position (GRCh38, 1-based): chrX:50,072,487, A>T. VCF-style: chrX-50072487-A-T. GRCh37 (hg19) VCF-style: chrX-49837142-A-T.
Other names: c.328-2A>T (NM_001440757.1, NM_001440756.1); c.316-2A>T (NM_001127899.4); c.106-2A>T (NM_000084.5); c.166-2A>T (NM_001282163.2).
Identifiers: ClinVar variation 4720177 (VCV004720177.1).

ClinVar aggregate classification (germline): Pathogenic (1 of 4 stars; one submission).

Submission:

Labcorp Genetics (formerly Invitae), Labcorp
Classification: Pathogenic. Last evaluated: 2025-06-01. Review status: criteria provided, single submitter. Criteria: Invitae Variant Classification Sherloc (09022015). Collection method: clinical testing. Allele origin: germline.
Comment: This sequence change affects an acceptor splice site in intron 2 of the CLCN5 gene. RNA analysis indicates that disruption of this splice site induces altered splicing and may result in an absent or altered protein product. This variant is not present in population databases (gnomAD no frequency). Disruption of this splice site has been observed in individuals with Dent disease (PMID: 17262170, 32683654). This variant is also known as IVS-2A>G. Studies have shown that disruption of this splice site results in skipping of exon 3, and produces a non-functional protein and/or introduces a premature termination codon (PMID: 17262170). For these reasons, this variant has been classified as Pathogenic.

Literature cited by the submitters: PubMed 17262170; PubMed 32683654.